The following is an entry in ClinVar:

ClinVar aggregate classification (germline): Likely benign. Review status: criteria provided, single submitter (1 of 4 stars). 2 submissions from 2 submitters: Likely benign (1). 1 of the submissions does not count toward it. Last evaluated 2025-12-23.

Conditions:
EVC2-related disorder. Also called: EVC2-related condition.
Curry-Hall syndrome (WAD). Also called: WEYERS ACRODENTAL DYSOSTOSIS. Identifiers: Orphanet 952, MedGen C0457013, MONDO:0008673, OMIM 193530.
Ellis-van Creveld syndrome (EVC). Also called: MESOECTODERMAL DYSPLASIA; EVC-Related Ellis-van Creveld Syndrome; EVC2-Related Ellis-van Creveld Syndrome; Chondroectodermal dysplasia. Identifiers: Orphanet 289, MedGen C0013903, MONDO:0009162, OMIM 225500.

Allele frequency attached by ClinVar (database versions not stated): gnomAD exomes 0.00001; ExAC 0.00002; TOPMed 0.00002; gnomAD 0.00003; ESP Exome Variant Server 0.00008.
gnomAD v4.1: 38 of 1,614,196 alleles (0.0024%); highest among the groups gnomAD compares: African/African-American, 0.024%; no homozygotes.

Submissions (2):

Labcorp Genetics (formerly Invitae), Labcorp
Classification: Likely benign for Curry-Hall syndrome; Ellis-van Creveld syndrome. Last evaluated: 2025-12-23. Review status: criteria provided, single submitter. Criteria: Invitae Variant Classification Sherloc (09022015). Collection method: clinical testing. Allele origin: germline.

PreventionGenetics, part of Exact Sciences
Classification: Likely benign for EVC2-related condition. Last evaluated: 2022-09-15. Review status: no assertion criteria provided. Collection method: clinical testing. Allele origin: germline. Not counted in ClinVar's aggregate classification.
Comment: This variant is classified as likely benign based on ACMG/AMP sequence variant interpretation guidelines (Richards et al. 2015 PMID: 25741868, with internal and published modifications).

NM_147127.5(EVC2):c.888C>T (p.Gly296=)

Gene: EVC2 (EvC ciliary complex subunit 2; minus strand). Cytogenetic location: 4p16.2.
Variant type: single nucleotide variant.
Coding change: c.888C>T on transcript NM_147127.5 (MANE Select); coding-DNA position 888, C replaced by T.
Protein change: p.Gly296=; no amino-acid change (glycine 296 retained).
Molecular consequence: synonymous variant.
Genome position (GRCh38, 1-based): chr4:5,665,632, G>A on the plus strand (C>T on the coding strand, the complement: EVC2 is on the minus strand). VCF-style: chr4-5665632-G-A. GRCh37 (hg19) VCF-style: chr4-5667359-G-A.
Other names: c.648C>T, p.Gly216= (NM_001166136.2).
Identifiers: ClinVar variation 739406 (VCV000739406.12), dbSNP rs370515818, ClinGen allele CA2835238.
Genomic context (GRCh38, chr4:5,665,632, plus strand): 5'-GGCAGCCCAGGTCAGCACAAGGGAGAGGAGGAAGGCAATGAAGAACCCTGCTGCGTGGAG[G>A]CCGTGGTGCGGCAGAACCTGTGGAGACAAGAGGAGAGCAGGATTCATGTGTGGTCAGACA-3'
Protein context (NP_667338.3, residues 286-306): EENVTVLPHH[Gly296=]LHAAGFFIAF